The following is an entry in ClinVar:

ClinVar aggregate classification (germline): Likely benign (1 of 4 stars; one submission).

gnomAD v4.1: 17 of 1,614,042 alleles (0.0011%); highest among the groups gnomAD compares: Middle Eastern, 0.049%; 1 homozygote.

Submission:

CeGaT Center for Human Genetics Tuebingen
Classification: Likely benign. Last evaluated: 2024-12-01. Review status: criteria provided, single submitter. Criteria: CeGaT Center For Human Genetics Tuebingen Variant Classification Criteria Version 2. Collection method: clinical testing. Allele origin: germline. Affected: yes. Observed: 1 variant allele.
Comment: ASH1L: BP4, BP7

NM_018489.3(ASH1L):c.2238A>G (p.Ser746=)

Gene: ASH1L (ASH1 like histone lysine methyltransferase; minus strand). Cytogenetic location: 1q22.
Variant type: single nucleotide variant.
Coding change: c.2238A>G on transcript NM_018489.3 (MANE Select); coding-DNA position 2238, A replaced by G.
Protein change: p.Ser746=; no amino-acid change (serine 746 retained).
Molecular consequence: synonymous variant.
Genome position (GRCh38, 1-based): chr1:155,480,632, T>C on the plus strand (A>G on the coding strand, the complement: ASH1L is on the minus strand). VCF-style: chr1-155480632-T-C. GRCh37 (hg19) VCF-style: chr1-155450423-T-C.
Other names: c.2238A>G, p.Ser746= (NM_001366177.2).
Identifiers: ClinVar variation 3770993 (VCV003770993.13).